The following is an entry in ClinVar:

ClinVar aggregate classification (germline): Likely pathogenic (1 of 4 stars; one submission).

Submission:

GeneDx
Classification: Likely pathogenic. Last evaluated: 2017-03-16. Review status: criteria provided, single submitter. Criteria: GeneDx Variant Classification (06012015). Collection method: clinical testing. Allele origin: germline. Affected: yes.
Comment: A c.2358delA variant that is likely pathogenic was identified in the DSG2 gene. This variant has been reported in two individuals enrolled in a study for the use of buccal mucosa cells from ARVC/D patients to characterize disease mechanism and possible effective therapies (Asimaki et al., 2016). This variant causes a shift in reading frame starting at codon Asparagine 787, changing it to a Methionine, and creating a premature stop codon at position 21 of the new reading frame, denoted p.Asp787MetfsX21. The likely pathogenic variant is expected to result in an abnormal, truncated protein product where the last 332 amino acids of DSG2 are replaced with 20 incorrect amino acids. Many other frameshift variants in the DSG2 gene have been reported in Human Gene Mutation Database in association with ARVC/D (Stenson et al., 2014), indicating that loss of function is a mechanism of disease for this gene. Furthermore, the c.2358delA variant is not observed in large population cohorts (Lek et al., 2016; 1000 Genomes Consortium et al., 2015; Exome Variant Server),indicating it is not a common benign variant in these populations. The observation of this variant in other families with a similar phenotype, segregation analysis, and functional evidence, would further support this variant being pathogenic.In summary, c.2358delA in the DSG2 gene is interpreted as a likely pathogenic variant.

NM_001943.5(DSG2):c.2358del (p.Asp787fs)

Genes: DSG2 (desmoglein 2; plus strand), DSG2-AS1 (DSG2 antisense RNA 1; minus strand). Cytogenetic location: 18q12.1.
Variant type: Deletion.
Coding change: c.2358del on transcript NM_001943.5 (MANE Select); coding-DNA position 2358, one base deleted (A; older notation c.2358delA).
Protein change: p.Asp787fs; shifts the reading frame from aspartic acid 787.
Molecular consequence: frameshift variant. On other transcripts: non-coding transcript variant (1).
Genome position (GRCh38, 1-based): chr18:31,545,744, A deleted; the last of 2 consecutive A bases (chr18:31,545,743-31,545,744); deleting either gives the same sequence. VCF-style (leftmost placement, unchanged base first): chr18-31545742-GA-G. GRCh37 (hg19) VCF-style: chr18-29125705-GA-G.
Other names: c.2358del (LRG_397t1); short protein forms D787fs.
Identifiers: ClinVar variation 418168 (VCV000418168.2), dbSNP rs1064793103, ClinGen allele CA16620681.